The following is an entry in ClinVar:

ClinVar aggregate classification (germline): Uncertain significance (1 of 4 stars; one submission).

Conditions:
Hypophosphatasia. Also called: Phosphoethanol-aminuria. Identifiers: Orphanet 436, MedGen C0020630, MeSH D007014, MONDO:0018570.

Submission:

Genomenon, Inc
Classification: Uncertain significance for Hypophosphatasia. Last evaluated: 2025-08-29. Review status: criteria provided, single submitter. Criteria: Genomenon Sequence Variant Interpretation Standards. Collection method: curation. Allele origin: germline. Affected: yes.
Comment: ALPL c.359G>C is a missense variant that changes the amino acid at residue 120 from Glycine to Alanine. This variant has been observed in a proband affected with hypophosphatasia (PMID:31760938). It is absent or not present at a significant frequency in gnomAD. In silico models agree that this variant is possibly or probably damaging. In conclusion, we classify ALPL p.Gly120Ala (c.359G>C) as a variant of unknown significance.

Literature cited by the submitters: PubMed 31760938.

NM_000478.6(ALPL):c.359G>C (p.Gly120Ala)

Gene: ALPL (alkaline phosphatase, biomineralization associated; plus strand). Cytogenetic location: 1p36.12.
Variant type: single nucleotide variant.
Coding change: c.359G>C on transcript NM_000478.6 (MANE Select); coding-DNA position 359, G replaced by C.
Protein change: p.Gly120Ala; replaces glycine 120 with alanine.
Molecular consequence: missense variant.
Genome position (GRCh38, 1-based): chr1:21,563,171, G>C. VCF-style: chr1-21563171-G-C. GRCh37 (hg19) VCF-style: chr1-21889664-G-C.
Other names: c.194G>C, p.Gly65Ala (NM_001127501.4); c.128G>C, p.Gly43Ala (NM_001177520.3); c.359G>C, p.Gly120Ala (NM_001369803.2, NM_001369804.2, NM_001369805.2); short protein forms G120A, G43A, G65A.
Identifiers: ClinVar variation 4086799 (VCV004086799.1).
Genomic context (GRCh38, chr1:21,563,171, plus strand): 5'-CGTACAACACCAATGCCCAGGTCCCTGACAGTGCCGGCACCGCCACCGCCTACCTGTGTG[G>C]GGTGAAGGCCAATGAGGGCACCGTGGGGGTAAGCGCAGCCACTGAGCGTTCCCGGTGCAA-3'
Protein context (NP_000469.3, residues 110-130): SAGTATAYLC[Gly120Ala]VKANEGTVGV